The following is an entry in ClinVar:

NM_000747.3(CHRNB1):c.58+4A>G

Gene: CHRNB1 (cholinergic receptor nicotinic beta 1 subunit; plus strand). Cytogenetic location: 17p13.1.
Variant type: single nucleotide variant.
Coding change: c.58+4A>G on transcript NM_000747.3 (MANE Select); 4 bases into the intron after coding-DNA position 58, A replaced by G.
Molecular consequence: intron variant.
Genome position (GRCh38, 1-based): chr17:7,445,189, A>G. VCF-style: chr17-7445189-A-G. GRCh37 (hg19) VCF-style: chr17-7348508-A-G.
Identifiers: ClinVar variation 2168455 (VCV002168455.4), dbSNP rs2507845262, ClinGen allele CA497740500.

ClinVar aggregate classification (germline): Uncertain significance (1 of 4 stars; one submission).

Conditions:
Congenital myasthenic syndrome 2A. Also called: Myasthenic syndrome, congenital, 2a, slow-channel. Identifiers: Orphanet 590, MedGen C4225374, MONDO:0014581, OMIM 616313.

Submission:

Labcorp Genetics (formerly Invitae), Labcorp
Classification: Uncertain significance for Congenital myasthenic syndrome 2A. Last evaluated: 2022-05-19. Review status: criteria provided, single submitter. Criteria: Invitae Variant Classification Sherloc (09022015). Collection method: clinical testing. Allele origin: germline.
Comment: This sequence change falls in intron 1 of the CHRNB1 gene. It does not directly change the encoded amino acid sequence of the CHRNB1 protein. It affects a nucleotide within the consensus splice site. In summary, the available evidence is currently insufficient to determine the role of this variant in disease. Therefore, it has been classified as a Variant of Uncertain Significance. Variants that disrupt the consensus splice site are a relatively common cause of aberrant splicing (PMID: 17576681, 9536098). Algorithms developed to predict the effect of sequence changes on RNA splicing suggest that this variant is not likely to affect RNA splicing. This variant has not been reported in the literature in individuals affected with CHRNB1-related conditions. This variant is not present in population databases (gnomAD no frequency).

Literature cited by the submitters: PubMed 17576681; PubMed 9536098.